The following is an entry in ClinVar:

NM_018249.6(CDK5RAP2):c.4761T>C (p.Pro1587=)

Gene: CDK5RAP2 (CDK5 regulatory subunit associated protein 2; minus strand). Cytogenetic location: 9q33.2.
Variant type: single nucleotide variant.
Coding change: c.4761T>C on transcript NM_018249.6 (MANE Select); coding-DNA position 4761, T replaced by C.
Protein change: p.Pro1587=; no amino-acid change (proline 1587 retained).
Molecular consequence: synonymous variant. On other transcripts: non-coding transcript variant (5), intron variant (1).
Genome position (GRCh38, 1-based): chr9:120,407,214, A>G on the plus strand (T>C on the coding strand, the complement: CDK5RAP2 is on the minus strand). VCF-style: chr9-120407214-A-G. GRCh37 (hg19) VCF-style: chr9-123169492-A-G.
Other names: c.4071T>C, p.Pro1357= (NM_001272039.2); c.4662T>C, p.Pro1554= (NM_001410992.1); c.4665T>C, p.Pro1555= (NM_001410993.1); c.4758T>C, p.Pro1586= (NM_001410994.1); c.4726+1133T>C (NM_001011649.3).
Identifiers: ClinVar variation 3031655 (VCV003031655.2), dbSNP rs2538883857, ClinGen allele CA466923057.

ClinVar aggregate classification (germline): Likely benign (0 of 4 stars; one submission).

Conditions:
CDK5RAP2-related disorder. Also called: CDK5RAP2-related condition.

Submission:

PreventionGenetics, part of Exact Sciences
Classification: Likely benign for CDK5RAP2-related condition. Last evaluated: 2023-07-31. Review status: no assertion criteria provided. Collection method: clinical testing. Allele origin: germline.
Comment: This variant is classified as likely benign based on ACMG/AMP sequence variant interpretation guidelines (Richards et al. 2015 PMID: 25741868, with internal and published modifications).